The following is an entry in ClinVar:

NM_144670.6(A2ML1):c.2911G>T (p.Gly971Cys)

Gene: A2ML1 (alpha-2-macroglobulin like 1; plus strand). Cytogenetic location: 12p13.31.
Variant type: single nucleotide variant.
Coding change: c.2911G>T on transcript NM_144670.6 (MANE Select); coding-DNA position 2911, G replaced by T.
Protein change: p.Gly971Cys; replaces glycine 971 with cysteine.
Molecular consequence: missense variant.
Genome position (GRCh38, 1-based): chr12:8,857,226, G>T. VCF-style: chr12-8857226-G-T. GRCh37 (hg19) VCF-style: chr12-9009822-G-T.
Other names: c.1438G>T, p.Gly480Cys (NM_001282424.3); short protein forms G971C, G480C.
Identifiers: ClinVar variation 2852036 (VCV002852036.3), dbSNP rs754843337, ClinGen allele CA6436199.
Genomic context (GRCh38, chr12:8,857,226, plus strand): 5'-GACATTATGGGCACAGCCCTGCAGAACCTGGATGGTCTGGTGCAGATGCCCAGTGGCTGT[G>T]GCGAGCAGAACATGGTCTTGTTTGCTCCCATCATCTATGTCTTGCAGTACCTGGAGAAGG-3'
Protein context (NP_653271.3, residues 961-981): DGLVQMPSGC[Gly971Cys]EQNMVLFAPI

ClinVar aggregate classification (germline): Uncertain significance (1 of 4 stars; one submission).

Allele frequency attached by ClinVar (database versions not stated): gnomAD exomes 0.00001; ExAC 0.00002.
gnomAD v4.1: 14 of 1,613,098 alleles (0.00087%); highest among the groups gnomAD compares: South Asian, 0.015%; 1 homozygote.

Submission:

Labcorp Genetics (formerly Invitae), Labcorp
Classification: Uncertain significance. Last evaluated: 2023-11-22. Review status: criteria provided, single submitter. Criteria: Invitae Variant Classification Sherloc (09022015). Collection method: clinical testing. Allele origin: germline.
Comment: This sequence change replaces glycine, which is neutral and non-polar, with cysteine, which is neutral and slightly polar, at codon 971 of the A2ML1 protein (p.Gly971Cys). This variant is present in population databases (rs754843337, gnomAD 0.02%). This variant has not been reported in the literature in individuals affected with A2ML1-related conditions. An algorithm developed to predict the effect of missense changes on protein structure and function (PolyPhen-2) suggests that this variant is likely to be disruptive. In summary, the available evidence is currently insufficient to determine the role of this variant in disease. Therefore, it has been classified as a Variant of Uncertain Significance.